The following is an entry in ClinVar:

ClinVar aggregate classification (germline): Likely benign (0 of 4 stars; one submission).

Conditions:
ESPN-related disorder. Also called: ESPN-related condition.

Submission:

PreventionGenetics, part of Exact Sciences
Classification: Likely benign for ESPN-related condition. Last evaluated: 2019-10-31. Review status: no assertion criteria provided. Collection method: clinical testing. Allele origin: germline.
Comment: This variant is classified as likely benign based on ACMG/AMP sequence variant interpretation guidelines (Richards et al. 2015 PMID: 25741868, with internal and published modifications).

NM_031475.3(ESPN):c.1287A>T (p.Thr429=)

Gene: ESPN (espin; plus strand). Cytogenetic location: 1p36.31.
Variant type: single nucleotide variant.
Coding change: c.1287A>T on transcript NM_031475.3 (MANE Select); coding-DNA position 1287, A replaced by T.
Protein change: p.Thr429=; no amino-acid change (threonine 429 retained).
Molecular consequence: synonymous variant.
Genome position (GRCh38, 1-based): chr1:6,445,758, A>T. VCF-style: chr1-6445758-A-T. GRCh37 (hg19) VCF-style: chr1-6505818-A-T.
Other names: c.1287A>T, p.Thr429= (NM_001367473.1, NM_001367474.1).
Identifiers: ClinVar variation 3042067 (VCV003042067.2), dbSNP rs1160426351, ClinGen allele CA416020963.